The following is an entry in ClinVar:

NM_173560.4(RFX6):c.2166C>T (p.Thr722=)

Gene: RFX6 (regulatory factor X6; plus strand). Cytogenetic location: 6q22.1.
Variant type: single nucleotide variant.
Coding change: c.2166C>T on transcript NM_173560.4 (MANE Select); coding-DNA position 2166, C replaced by T.
Protein change: p.Thr722=; no amino-acid change (threonine 722 retained).
Molecular consequence: synonymous variant.
Genome position (GRCh38, 1-based): chr6:116,927,307, C>T. VCF-style: chr6-116927307-C-T. GRCh37 (hg19) VCF-style: chr6-117248470-C-T.
Identifiers: ClinVar variation 130154 (VCV000130154.20), dbSNP rs73765886, ClinGen allele CA154964.

ClinVar aggregate classification (germline): Benign/Likely benign. Review status: criteria provided, multiple submitters, no conflicts (2 of 4 stars). 6 submissions from 6 submitters: Benign (2); Likely benign (3). 1 of the submissions does not count toward it. Last evaluated 2026-01-26.

Conditions:
Hypoplastic pancreas-intestinal atresia-hypoplastic gallbalder syndrome. Also called: DIABETES, NEONATAL, WITH PANCREATIC HYPOPLASIA, INTESTINAL ATRESIA, AND GALLBLADDER APLASIA OR HYPOPLASIA; Mitchell-Riley syndrome. Identifiers: Orphanet 293864, MedGen C2748662, MONDO:0017400, OMIM 615710.

Allele frequency attached by ClinVar (database versions not stated): gnomAD exomes 0.00332; ExAC 0.00408; gnomAD 0.01228 and 0.01325; 1000 Genomes Project 0.01238; 1000 Genomes Project 30x 0.01327; TOPMed 0.01363; ESP Exome Variant Server 0.01445.
gnomAD v4.1: 3,886 of 1,614,184 alleles (0.24%); highest among the groups gnomAD compares: African/African-American, 4.4%; 75 homozygotes.

Submissions (6):

Labcorp Genetics (formerly Invitae), Labcorp
Classification: Benign. Last evaluated: 2026-01-26. Review status: criteria provided, single submitter. Criteria: Invitae Variant Classification Sherloc (09022015). Collection method: clinical testing. Allele origin: germline.

ARUP Laboratories, Molecular Genetics and Genomics, ARUP Laboratories
Classification: Benign for Hypoplastic pancreas-intestinal atresia-hypoplastic gallbalder syndrome. Last evaluated: 2025-03-06. Review status: criteria provided, single submitter. Criteria: ARUP Molecular Germline Variant Investigation Process 2024. Collection method: clinical testing. Allele origin: germline.

Blueprint Genetics
Classification: Likely benign. Last evaluated: 2024-11-13. Review status: criteria provided, single submitter. Criteria: ACMG Guidelines, 2015. Collection method: clinical testing. Allele origin: germline.

GeneDx
Classification: Likely benign. Last evaluated: 2021-04-26. Review status: criteria provided, single submitter. Criteria: GeneDx Variant Classification Process June 2021. Collection method: clinical testing. Allele origin: germline. Affected: yes.

Breakthrough Genomics
Classification: Likely benign. Review status: criteria provided, single submitter. Criteria: ACMG Guidelines, 2015. Collection method: not provided. Allele origin: germline. Inheritance: Autosomal recessive inheritance. Affected: yes.

Genetic Services Laboratory, University of Chicago
Classification: Likely benign for AllHighlyPenetrant. Review status: no assertion criteria provided. Collection method: clinical testing. Allele origin: germline. Inheritance: Autosomal recessive inheritance. Not counted in ClinVar's aggregate classification.
Comment: Likely benign based on allele frequency in 1000 Genomes Project or ESP global frequency and its presence in a patient with a rare or unrelated disease phenotype. NOT Sanger confirmed.